The following is an entry in ClinVar:

NM_005744.5(ARIH1):c.237CGG[10] (p.Gly88_Gly90dup)

Gene: ARIH1 (ariadne RBR E3 ubiquitin protein ligase 1; plus strand). Cytogenetic location: 15q24.1.
Variant type: Microsatellite.
Coding change: c.237CGG[10] on transcript NM_005744.5 (MANE Select); ten copies in a row of the 3-base unit CGG starting at c.237; the reference has seven copies in a row; three copies, 9 bases duplicated.
Protein change: p.Gly88_Gly90dup.
Molecular consequence: inframe insertion.
Genome position (GRCh38, 1-based): chr15:72,474,888-72,474,896, CGGCGGCGG duplicated; duplicating any 9 consecutive bases within chr15:72,474,874-72,474,896 gives the same sequence; the position shown is the placement nearest the transcript's 3' end. VCF-style (leftmost placement, unchanged base first): chr15-72474873-T-TGGCGGCGGC. GRCh37 (hg19) VCF-style: chr15-72767214-T-TGGCGGCGGC.
Identifiers: ClinVar variation 1441835 (VCV001441835.8), dbSNP rs375614248, ClinGen allele CA7645449.

ClinVar aggregate classification (germline): Uncertain significance (1 of 4 stars; one submission).

Submission:

Labcorp Genetics (formerly Invitae), Labcorp
Classification: Uncertain significance. Last evaluated: 2025-12-16. Review status: criteria provided, single submitter. Criteria: Invitae Variant Classification Sherloc (09022015). Collection method: clinical testing. Allele origin: germline.
Comment: This variant, c.249_257dup, results in the insertion of 3 amino acid(s) of the ARIH1 protein (p.Gly88_Gly90dup), but otherwise preserves the integrity of the reading frame. The frequency data for this variant in the population databases is considered unreliable, as metrics indicate poor data quality at this position in the gnomAD database. This variant has not been reported in the literature in individuals affected with ARIH1-related conditions. Experimental studies and prediction algorithms are not available or were not evaluated, and the functional significance of this variant is currently unknown. In summary, the available evidence is currently insufficient to determine the role of this variant in disease. Therefore, it has been classified as a Variant of Uncertain Significance.